The following is an entry in ClinVar:

ClinVar aggregate classification (germline): Likely pathogenic (1 of 4 stars; one submission).

Conditions:
Deficiency of steroid 11-beta-monooxygenase (CYP11B1). Also called: ADRENAL HYPERPLASIA, CONGENITAL, DUE TO STEROID 11-BETA-HYDROXYLASE DEFICIENCY; 11-BETA-HYDROXYLASE DEFICIENCY; P450C11B1 DEFICIENCY; STEROID 11-BETA-HYDROXYLASE DEFICIENCY; Congenital adrenal hyperplasia due to 11-beta-hydroxylase deficiency; ADRENAL HYPERPLASIA IV. Identifiers: Orphanet 90795, MedGen C0268292, MONDO:0008729, OMIM 202010. Disease mechanism: loss of function.

Submission:

Myriad Genetics, Inc.
Classification: Likely pathogenic for Deficiency of steroid 11-beta-monooxygenase. Last evaluated: 2019-10-04. Review status: criteria provided, single submitter. Criteria: Myriad Women's Health Autosomal Recessive and X-Linked Classification Criteria (2019). Collection method: clinical testing. Allele origin: unknown.
Comment: NM_000497.3(CYP11B1):c.850C>T(Q284*) is expected to be pathogenic in the context of 11-beta-hydroxylase-deficient congenital adrenal hyperplasia. This variant is predicted to lead to an abnormal or absent protein product due to the creation of a premature termination codon in CYP11B1, a gene where loss-of-function variants are known to be pathogenic. Please note: this variant was assessed in the context of healthy population screening.

NM_000497.4(CYP11B1):c.850C>T (p.Gln284Ter)

Genes: CYP11B1 (cytochrome P450 family 11 subfamily B member 1; minus strand), LOC106799833 (CYP11B1 recombination region; plus strand). Cytogenetic location: 8q24.3.
Variant type: single nucleotide variant.
Coding change: c.850C>T on transcript NM_000497.4 (MANE Select); coding-DNA position 850, C replaced by T.
Protein change: p.Gln284Ter; replaces glutamine 284 with a stop codon.
Molecular consequence: nonsense.
Genome position (GRCh38, 1-based): chr8:142,876,345, G>A on the plus strand (C>T on the coding strand, the complement: CYP11B1 is on the minus strand). VCF-style: chr8-142876345-G-A. GRCh37 (hg19) VCF-style: chr8-143957761-G-A.
Other names: c.850C>T, p.Gln284Ter (NM_001026213.1); short protein forms Q284*.
Identifiers: ClinVar variation 984080 (VCV000984080.3), dbSNP rs1816949224, ClinGen allele CA372395245.